The following is an entry in ClinVar:

ClinVar aggregate classification (germline): Likely pathogenic (1 of 4 stars; one submission).

Submission:

Labcorp Genetics (formerly Invitae), Labcorp
Classification: Likely pathogenic. Last evaluated: 2023-03-21. Review status: criteria provided, single submitter. Criteria: Invitae Variant Classification Sherloc (09022015). Collection method: clinical testing. Allele origin: germline.
Comment: In summary, the currently available evidence indicates that the variant is pathogenic, but additional data are needed to prove that conclusively. Therefore, this variant has been classified as Likely Pathogenic. Algorithms developed to predict the effect of sequence changes on RNA splicing suggest that this variant may disrupt the consensus splice site. This variant has not been reported in the literature in individuals affected with EIF2AK3-related conditions. This variant is not present in population databases (gnomAD no frequency). This sequence change affects a splice site in intron 2 of the EIF2AK3 gene. It is expected to disrupt RNA splicing. Variants that disrupt the donor or acceptor splice site typically lead to a loss of protein function (PMID: 16199547), and loss-of-function variants in EIF2AK3 are known to be pathogenic (PMID: 11997520).

Literature cited by the submitters: PubMed 16199547; PubMed 11997520.

NM_004836.7(EIF2AK3):c.439-2del

Gene: EIF2AK3 (eukaryotic translation initiation factor 2 alpha kinase 3; minus strand). Cytogenetic location: 2p11.2.
Variant type: Deletion.
Coding change: c.439-2del on transcript NM_004836.7 (MANE Select); the canonical splice acceptor site of the intron before coding-DNA position 439, one base deleted (A; older notation c.439-2delA).
Molecular consequence: splice acceptor variant.
Genome position (GRCh38, 1-based): chr2:88,595,665, T deleted on the plus strand (A on the coding strand, the reverse complement: EIF2AK3 is on the minus strand). VCF-style (leftmost placement, unchanged base first): chr2-88595664-CT-C. GRCh37 (hg19) VCF-style: chr2-88895182-CT-C.
Other names: c.-15-2del (NM_001313915.2).
Identifiers: ClinVar variation 2848052 (VCV002848052.3), dbSNP rs2529183146, ClinGen allele CA2739271165.